The following is an entry in ClinVar:

ClinVar aggregate classification (germline): Uncertain significance (0 of 4 stars; one submission).

Conditions:
NRP1-related disorder. Also called: NRP1-related condition.

Submission:

PreventionGenetics, part of Exact Sciences
Classification: Uncertain significance for NRP1-related condition. Last evaluated: 2024-01-30. Review status: no assertion criteria provided. Collection method: clinical testing. Allele origin: germline.
Comment: The NRP1 c.2752A>C variant is predicted to result in the amino acid substitution p.Ser918Arg. To our knowledge, this variant has not been reported in the literature. This variant is reported in 0.00088% of alleles in individuals of European (Non-Finnish) descent in gnomAD. At this time, the clinical significance of this variant is uncertain due to the absence of conclusive functional and genetic evidence.

NM_003873.7(NRP1):c.2752A>C (p.Ser918Arg)

Gene: NRP1 (neuropilin 1; minus strand). Cytogenetic location: 10p11.22.
Variant type: single nucleotide variant.
Coding change: c.2752A>C on transcript NM_003873.7 (MANE Select); coding-DNA position 2752, A replaced by C.
Protein change: p.Ser918Arg; replaces serine 918 with arginine.
Molecular consequence: missense variant. On other transcripts: non-coding transcript variant (1).
Genome position (GRCh38, 1-based): chr10:33,180,096, T>G on the plus strand (A>C on the coding strand, the complement: NRP1 is on the minus strand). VCF-style: chr10-33180096-T-G. GRCh37 (hg19) VCF-style: chr10-33469024-T-G.
Other names: c.2734A>C, p.Ser912Arg (NM_001244972.2); c.2731A>C, p.Ser911Arg (NM_001244973.2); c.2701A>C, p.Ser901Arg (NM_001330068.2); short protein forms S901R, S911R, S912R, S918R.
Identifiers: ClinVar variation 3348854 (VCV003348854.1).